The following is an entry in ClinVar:

ClinVar aggregate classification (germline): Uncertain significance (1 of 4 stars; one submission).

Conditions:
LAMA2-related muscular dystrophy (LAMA2-RD). Also called: Laminin alpha 2-related dystrophy. Identifiers: MedGen C5679788, MONDO:0100228.

Allele frequency attached by ClinVar (database versions not stated): gnomAD below 0.00001 and 0.00001.
gnomAD v4.1: 3 of 1,613,198 alleles (0.00019%); highest among the groups gnomAD compares: South Asian, 0.0033%; no homozygotes.

Submission:

Labcorp Genetics (formerly Invitae), Labcorp
Classification: Uncertain significance for LAMA2-related muscular dystrophy. Last evaluated: 2021-08-30. Review status: criteria provided, single submitter. Criteria: Invitae Variant Classification Sherloc (09022015). Collection method: clinical testing. Allele origin: germline.
Comment: This sequence change replaces glycine with arginine at codon 693 of the LAMA2 protein (p.Gly693Arg). The glycine residue is weakly conserved and there is a moderate physicochemical difference between glycine and arginine. This variant is not present in population databases (ExAC no frequency). This variant has not been reported in the literature in individuals affected with LAMA2-related conditions. Algorithms developed to predict the effect of missense changes on protein structure and function are either unavailable or do not agree on the potential impact of this missense change (SIFT: "Tolerated"; PolyPhen-2: "Possibly Damaging"; Align-GVGD: "Class C0"). In summary, the available evidence is currently insufficient to determine the role of this variant in disease. Therefore, it has been classified as a Variant of Uncertain Significance.

NM_000426.4(LAMA2):c.2077G>C (p.Gly693Arg)

Gene: LAMA2 (laminin subunit alpha 2; plus strand). Cytogenetic location: 6q22.33.
Variant type: single nucleotide variant.
Coding change: c.2077G>C on transcript NM_000426.4 (MANE Select); coding-DNA position 2077, G replaced by C.
Protein change: p.Gly693Arg; replaces glycine 693 with arginine.
Molecular consequence: missense variant.
Genome position (GRCh38, 1-based): chr6:129,252,276, G>C. VCF-style: chr6-129252276-G-C. GRCh37 (hg19) VCF-style: chr6-129573421-G-C.
Other names: c.2077G>C, p.Gly693Arg (NM_001079823.2); short protein forms G693R.
Identifiers: ClinVar variation 956088 (VCV000956088.7), dbSNP rs1436165325, ClinGen allele CA365610602.
Genomic context (GRCh38, chr6:129,252,276, plus strand): 5'-GAATTTATGACAGTGCTTGCGAATTTGAAGAGAGTCCTCCTACAAATCACATACAGCTTT[G>C]GGATGGATGCCATCTTCAGGTAAAATCAAGAACTGCAGCTCCAACGTTCACACATTTACT-3'
Protein context (NP_000417.3, residues 683-703): RVLLQITYSF[Gly693Arg]MDAIFRLSSV